The following is an entry in ClinVar:

NM_021067.5(GINS1):c.494C>T (p.Thr165Ile)

Gene: GINS1 (GINS complex subunit 1; plus strand). Cytogenetic location: 20p11.21.
Variant type: single nucleotide variant.
Coding change: c.494C>T on transcript NM_021067.5 (MANE Select); coding-DNA position 494, C replaced by T.
Protein change: p.Thr165Ile; replaces threonine 165 with isoleucine.
Molecular consequence: missense variant. On other transcripts: non-coding transcript variant (1).
Genome position (GRCh38, 1-based): chr20:25,441,748, C>T. VCF-style: chr20-25441748-C-T. GRCh37 (hg19) VCF-style: chr20-25422384-C-T.
Other names: c.377C>T, p.Thr126Ile (NM_001410830.1); c.239C>T, p.Thr80Ile (NM_001410831.1); short protein forms T126I, T165I, T80I.
Identifiers: ClinVar variation 1926320 (VCV001926320.5), dbSNP rs758590981, ClinGen allele CA9796570.

ClinVar aggregate classification (germline): Uncertain significance (1 of 4 stars; one submission).

Allele frequency attached by ClinVar (database versions not stated): gnomAD exomes below 0.00001; ExAC 0.00001.
gnomAD v4.1: 4 of 1,561,500 alleles (0.00026%); highest among the groups gnomAD compares: Admixed American, 0.0036%; no homozygotes.

Submission:

Labcorp Genetics (formerly Invitae), Labcorp
Classification: Uncertain significance. Last evaluated: 2025-11-10. Review status: criteria provided, single submitter. Criteria: Invitae Variant Classification Sherloc (09022015). Collection method: clinical testing. Allele origin: germline.
Comment: This sequence change replaces threonine, which is neutral and polar, with isoleucine, which is neutral and non-polar, at codon 165 of the GINS1 protein (p.Thr165Ile). This variant is present in population databases (rs758590981, gnomAD 0.004%). This variant has not been reported in the literature in individuals affected with GINS1-related conditions. ClinVar contains an entry for this variant (Variation ID: 1926320). An algorithm developed to predict the effect of missense changes on protein structure and function (PolyPhen-2) suggests that this variant is likely to be tolerated. In summary, the available evidence is currently insufficient to determine the role of this variant in disease. Therefore, it has been classified as a Variant of Uncertain Significance.